The following is an entry in ClinVar:

ClinVar aggregate classification (germline): Uncertain significance (1 of 4 stars; one submission).

Submission:

GeneDx
Classification: Uncertain significance. Last evaluated: 2019-11-14. Review status: criteria provided, single submitter. Criteria: GeneDx Variant Classification Process June 2021. Collection method: clinical testing. Allele origin: germline. Affected: yes.
Comment: Not observed in large population cohorts (Lek et al., 2016); In silico analysis, which includes protein predictors and evolutionary conservation, supports a deleterious effect; Has not been previously published as pathogenic or benign to our knowledge

NM_001098511.3(KIF2A):c.1534G>A (p.Val512Met)

Gene: KIF2A (kinesin family member 2A; plus strand). Cytogenetic location: 5q12.1.
Variant type: single nucleotide variant.
Coding change: c.1534G>A on transcript NM_001098511.3 (MANE Select); coding-DNA position 1534, G replaced by A.
Protein change: p.Val512Met; replaces valine 512 with methionine.
Molecular consequence: missense variant.
Genome position (GRCh38, 1-based): chr5:62,365,309, G>A. VCF-style: chr5-62365309-G-A. GRCh37 (hg19) VCF-style: chr5-61661136-G-A.
Other names: c.1453G>A, p.Val485Met (NM_001243952.2); c.1477G>A, p.Val493Met (NM_001243953.2); c.1534G>A, p.Val512Met (NM_004520.5); short protein forms V485M, V493M, V512M.
Identifiers: ClinVar variation 1310136 (VCV001310136.2), dbSNP rs2111964949, ClinGen allele CA359951829.